The following is an entry in ClinVar:

NM_015107.3(PHF8):c.2775A>G (p.Thr925=)

Gene: PHF8 (PHD finger protein 8; minus strand). Cytogenetic location: Xp11.22.
Variant type: single nucleotide variant.
Coding change: c.2775A>G on transcript NM_015107.3 (MANE Select); coding-DNA position 2775, A replaced by G.
Protein change: p.Thr925=; no amino-acid change (threonine 925 retained).
Molecular consequence: synonymous variant.
Genome position (GRCh38, 1-based): chrX:53,940,391, T>C on the plus strand (A>G on the coding strand, the complement: PHF8 is on the minus strand). VCF-style: chrX-53940391-T-C. GRCh37 (hg19) VCF-style: chrX-53966824-T-C.
Other names: c.2883A>G, p.Thr961= (NM_001184896.1); c.2472A>G, p.Thr824= (NM_001184897.2).
Identifiers: ClinVar variation 2660640 (VCV002660640.24), dbSNP rs148455331, ClinGen allele CA10423233.

ClinVar aggregate classification (germline): Likely benign (1 of 4 stars; one submission).

Allele frequency attached by ClinVar (database versions not stated): ExAC 0.00001; gnomAD exomes 0.00001; TOPMed 0.00004; ESP Exome Variant Server 0.00009.
gnomAD v4.1: 14 of 1,206,903 alleles (0.0012%); highest among the groups gnomAD compares: Non-Finnish European, 0.0013%; no homozygotes.

Submission:

CeGaT Center for Human Genetics Tuebingen
Classification: Likely benign. Last evaluated: 2023-09-01. Review status: criteria provided, single submitter. Criteria: CeGaT Center For Human Genetics Tuebingen Variant Classification Criteria Version 2. Collection method: clinical testing. Allele origin: germline. Affected: yes. Observed: 1 variant allele.
Comment: PHF8: BP4, BP7